The following is an entry in ClinVar:

NM_032578.4(MYPN):c.1966C>T (p.Pro656Ser)

Gene: MYPN (myopalladin; plus strand). Cytogenetic location: 10q21.3.
Variant type: single nucleotide variant.
Coding change: c.1966C>T on transcript NM_032578.4 (MANE Select); coding-DNA position 1966, C replaced by T.
Protein change: p.Pro656Ser; replaces proline 656 with serine.
Molecular consequence: missense variant. On other transcripts: non-coding transcript variant (2).
Genome position (GRCh38, 1-based): chr10:68,166,659, C>T. VCF-style: chr10-68166659-C-T. GRCh37 (hg19) VCF-style: chr10-69926416-C-T.
Other names: c.1966C>T, p.Pro656Ser (NM_001256267.2); c.1084C>T, p.Pro362Ser (NM_001256268.2); short protein forms P362S, P656S.
Identifiers: ClinVar variation 1387825 (VCV001387825.4), dbSNP rs930830802, ClinGen allele CA208193114.

ClinVar aggregate classification (germline): Uncertain significance (1 of 4 stars; one submission).

Conditions:
Dilated cardiomyopathy 1KK (CMD1KK). Identifiers: Orphanet 154, Orphanet 75249, MedGen C3714995, MONDO:0014100, OMIM 615248.

Allele frequency attached by ClinVar (database versions not stated): gnomAD exomes below 0.00001; gnomAD 0.00002; TOPMed 0.00002.
gnomAD v4.1: 4 of 1,613,906 alleles (0.00025%); highest among the groups gnomAD compares: African/African-American, 0.004%; no homozygotes.

Submission:

Labcorp Genetics (formerly Invitae), Labcorp
Classification: Uncertain significance for Dilated cardiomyopathy 1KK. Last evaluated: 2021-10-19. Review status: criteria provided, single submitter. Criteria: Invitae Variant Classification Sherloc (09022015). Collection method: clinical testing. Allele origin: germline.
Comment: This variant is not present in population databases (ExAC no frequency). In summary, the available evidence is currently insufficient to determine the role of this variant in disease. Therefore, it has been classified as a Variant of Uncertain Significance. Algorithms developed to predict the effect of missense changes on protein structure and function are either unavailable or do not agree on the potential impact of this missense change (SIFT: "Tolerated"; PolyPhen-2: "Probably Damaging"; Align-GVGD: "Class C0"). This variant has not been reported in the literature in individuals affected with MYPN-related conditions. This sequence change replaces proline with serine at codon 656 of the MYPN protein (p.Pro656Ser). The proline residue is highly conserved and there is a moderate physicochemical difference between proline and serine.